The following is an entry in ClinVar:

NM_000417.3(IL2RA):c.*107C>T

Gene: IL2RA (interleukin 2 receptor subunit alpha; minus strand). Cytogenetic location: 10p15.1.
Variant type: single nucleotide variant.
Coding change: c.*107C>T on transcript NM_000417.3 (MANE Select); 107 bases downstream of the stop codon, C replaced by T.
Molecular consequence: 3 prime UTR variant.
Genome position (GRCh38, 1-based): chr10:6,012,765, G>A on the plus strand (C>T on the coding strand, the complement: IL2RA is on the minus strand). VCF-style: chr10-6012765-G-A. GRCh37 (hg19) VCF-style: chr10-6054728-G-A.
Other names: c.*107C>T (NM_001308242.2, NM_001308243.2).
Identifiers: ClinVar variation 300245 (VCV000300245.5), dbSNP rs12722714, ClinGen allele CA10635557.

ClinVar aggregate classification (germline): Likely benign (1 of 4 stars; one submission).

Conditions:
Immunodeficiency due to CD25 deficiency. Also called: IMMUNODEFICIENCY 41 WITH LYMPHOPROLIFERATION AND AUTOIMMUNITY; CD25 DEFICIENCY; IL2RA DEFICIENCY. Identifiers: Orphanet 169100, MedGen C1853392, MONDO:0011664, OMIM 606367.

Allele frequency attached by ClinVar (database versions not stated): gnomAD exomes 0.00053; 1000 Genomes Project 0.00339; 1000 Genomes Project 30x 0.00344; gnomAD 0.00382 and 0.00417; TOPMed 0.00467.

Submission:

Illumina Laboratory Services, Illumina
Classification: Likely benign for Immunodeficiency due to CD25 deficiency. Last evaluated: 2018-01-13. Review status: criteria provided, single submitter. Criteria: ICSL Variant Classification Criteria 13 December 2019. Collection method: clinical testing. Allele origin: germline.
Comment: This variant was observed in the ICSL laboratory as part of a predisposition screen in an ostensibly healthy population. It had not been previously curated by ICSL or reported in the Human Gene Mutation Database (HGMD: prior to June 1st, 2018), and was therefore a candidate for classification through an automated scoring system. Utilizing variant allele frequency, disease prevalence and penetrance estimates, and inheritance mode, an automated score was calculated to assess if this variant is too frequent to cause the disease. Based on the score and internal cut-off values, a variant classified as likely benign is not then subjected to further curation. The score for this variant resulted in a classification of likely benign for this disease.